The following is an entry in ClinVar:

ClinVar aggregate classification (germline): Likely benign. Review status: criteria provided, multiple submitters, no conflicts (2 of 4 stars). 2 submissions from 2 submitters: Likely benign (2). Last evaluated 2026-09-21.

Conditions:
STXBP2-related disorder. Also called: STXBP2-related condition.
Familial hemophagocytic lymphohistiocytosis 5. Also called: STXBP2-Related Familial Hemophagocytic Lymphohistiocytosis (STXBP2-fHLH). Identifiers: Orphanet 540, MedGen C2751293, MONDO:0013135, OMIM 613101.

Allele frequency attached by ClinVar (database versions not stated): ExAC 0.00002; gnomAD 0.00003 and 0.00004; gnomAD exomes 0.00003 and 0.00009; TOPMed 0.00005; ESP Exome Variant Server 0.00008.
gnomAD v4.1: 139 of 1,613,942 alleles (0.0086%); highest among the groups gnomAD compares: Non-Finnish European, 0.011%; no homozygotes.

Submissions (2):

PreventionGenetics, part of Exact Sciences
Classification: Likely benign for STXBP2-related condition. Last evaluated: 2026-09-21. Review status: criteria provided, single submitter. Criteria: ACMG Guidelines, 2015. Collection method: clinical testing. Allele origin: germline.
Comment: This variant is classified as likely benign based on ACMG/AMP sequence variant interpretation guidelines (Richards et al. 2015 PMID: 25741868, with internal and published modifications).

Labcorp Genetics (formerly Invitae), Labcorp
Classification: Likely benign for Familial hemophagocytic lymphohistiocytosis 5. Last evaluated: 2026-01-25. Review status: criteria provided, single submitter. Criteria: Invitae Variant Classification Sherloc (09022015). Collection method: clinical testing. Allele origin: germline.

NM_006949.4(STXBP2):c.1068C>T (p.His356=)

Gene: STXBP2 (syntaxin binding protein 2; plus strand). Cytogenetic location: 19p13.2.
Variant type: single nucleotide variant.
Coding change: c.1068C>T on transcript NM_006949.4 (MANE Select); coding-DNA position 1068, C replaced by T.
Protein change: p.His356=; no amino-acid change (histidine 356 retained).
Molecular consequence: synonymous variant.
Genome position (GRCh38, 1-based): chr19:7,643,206, C>T. VCF-style: chr19-7643206-C-T. GRCh37 (hg19) VCF-style: chr19-7708092-C-T.
Other names: c.1068C>T (NM_006949.3); c.1059C>T, p.His353= (NM_001127396.3); c.1101C>T, p.His367= (NM_001272034.2).
Identifiers: ClinVar variation 1102044 (VCV001102044.10), dbSNP rs376159991, ClinGen allele CA9143958.